The following is an entry in ClinVar:

ClinVar aggregate classification (germline): Uncertain significance (1 of 4 stars; one submission).

Conditions:
Hereditary sensory and autonomic neuropathy type 1 (HSAN1). Also called: HSAN 1; HSN Type I; Hereditary Sensory Neuropathy Type I. Identifiers: Orphanet 36386, MedGen C0020071, MONDO:0018213.

gnomAD v4.1: 1 of 1,613,264 alleles (0.000062%); highest among the groups gnomAD compares: Non-Finnish European, 0.000085%; no homozygotes.

Submission:

Labcorp Genetics (formerly Invitae), Labcorp
Classification: Uncertain significance for Hereditary sensory and autonomic neuropathy type 1. Last evaluated: 2024-08-28. Review status: criteria provided, single submitter. Criteria: Invitae Variant Classification Sherloc (09022015). Collection method: clinical testing. Allele origin: germline.
Comment: This sequence change replaces alanine, which is neutral and non-polar, with threonine, which is neutral and polar, at codon 269 of the SPTLC1 protein (p.Ala269Thr). This variant is present in population databases (rs765980536, gnomAD 0.0009%). This variant has not been reported in the literature in individuals affected with SPTLC1-related conditions. Invitae Evidence Modeling of protein sequence and biophysical properties (such as structural, functional, and spatial information, amino acid conservation, physicochemical variation, residue mobility, and thermodynamic stability) indicates that this missense variant is not expected to disrupt SPTLC1 protein function with a negative predictive value of 80%. In summary, the available evidence is currently insufficient to determine the role of this variant in disease. Therefore, it has been classified as a Variant of Uncertain Significance.

NM_006415.4(SPTLC1):c.805G>A (p.Ala269Thr)

Gene: SPTLC1 (serine palmitoyltransferase long chain base subunit 1; minus strand). Cytogenetic location: 9q22.31.
Variant type: single nucleotide variant.
Coding change: c.805G>A on transcript NM_006415.4 (MANE Select); coding-DNA position 805, G replaced by A.
Protein change: p.Ala269Thr; replaces alanine 269 with threonine.
Molecular consequence: missense variant.
Genome position (GRCh38, 1-based): chr9:92,050,043, C>T on the plus strand (G>A on the coding strand, the complement: SPTLC1 is on the minus strand). VCF-style: chr9-92050043-C-T. GRCh37 (hg19) VCF-style: chr9-94812325-C-T.
Other names: c.805G>A, p.Ala269Thr (NM_001281303.2); c.439G>A, p.Ala147Thr (NM_001368272.1); c.340G>A, p.Ala114Thr (NM_001368273.1); short protein forms A114T, A147T, A269T.
Identifiers: ClinVar variation 3671417 (VCV003671417.2).
Genomic context (GRCh38, chr9:92,050,043, plus strand): 5'-CTCCTCGGCCATGCTCTCCTAGGACTCCAAATGAAAGGCTTTCCTCCAGGAAGATTCTTG[C>T]TTTGTATTTGTATTTTAACTTAACCTAAGTGTTATATAAACGTTAAAATACTAATGATTA-3'
Protein context (NP_006406.1, residues 259-279): ELVKLKYKYK[Ala269Thr]RIFLEESLSF